The following is an entry in ClinVar:

ClinVar aggregate classification (germline): Benign/Likely benign. Review status: criteria provided, multiple submitters, no conflicts (2 of 4 stars). 5 submissions from 5 submitters: Benign (2); Likely benign (1). 2 of the submissions do not count toward it. Last evaluated 2026-09-23.

Conditions:
Huntington disease (HD). Also called: Huntington's chorea; Huntington's disease; HUNTINGTON CHOREA. Identifiers: Orphanet 248111, Orphanet 399, MedGen C0020179, MONDO:0007739, OMIM 143100.

Submissions (5):

Department Of Human Genetics, Institute Of Clinical And Translational Research, Biomedical Research Center, Slovak Academy Of Sciences
Classification: Benign for Huntington disease. Last evaluated: 2026-09-23. Review status: criteria provided, single submitter. Criteria: ACMG Guidelines for Huntington disease, 2014. Collection method: research. Allele origin: germline. Inheritance: Autosomal dominant inheritance.
Comment: The NC_000004.12.g.3074878_3074940AGC[24]AAC[1]AGC[1] allele represents a complex trinucleotide repeat sequence in the HTT (huntingtin) gene. The repeat tract consists of 24 consecutive AGC repeats, followed by one AAC repeat and one additional AGC repeat. This sequence corresponds to 24 uninterrupted glutamine-encoding units or 26 interrupted glutamine-encoding repeat units (this count the AAC interruption and the additional AGC to the total number of repeats on the DNA level, while all resulting in glutamine residues at the protein level). Huntington disease (HD) is an autosomal dominant neurodegenerative disorder caused by an expansion of the CAG trinucleotide repeat in exon 1 of the HTT gene. HTT alleles containing 26 or fewer CAG repeats are considered within the normal range, whereas alleles containing 27–35 repeats are classified as intermediate/premutation, 36-39 repeats as reduced-penetrance pathogenic alleles, and 40 or more repeats as full-penetrance pathogenic alleles. This allele falls into the benign range both when considering the 24 uninterrupted as well as the 26 interrupted glutamine-encoding repeats. The allele reached 1.97% frequency in the general population of Slovakia (in 609 genotyped alleles).

Laboratory of Genetics, Children's Clinical University Hospital Latvia
Classification: Benign. Last evaluated: 2025-02-16. Review status: criteria provided, single submitter. Criteria: ACMG Guidelines, 2015. Collection method: clinical testing. Allele origin: germline. Affected: yes.

Blueprint Genetics
Classification: Likely benign. Last evaluated: 2024-11-26. Review status: criteria provided, single submitter. Criteria: ACMG Guidelines, 2015. Collection method: clinical testing. Allele origin: germline.

Diagnostic Laboratory, Department of Genetics, University Medical Center Groningen
Classification: Benign. Review status: no assertion criteria provided. Collection method: clinical testing. Allele origin: germline. Affected: yes. Study: VKGL Data-share Consensus. Not counted in ClinVar's aggregate classification.

Genome Diagnostics Laboratory, University Medical Center Utrecht
Classification: Likely benign. Review status: no assertion criteria provided. Collection method: clinical testing. Allele origin: germline. Affected: yes. Study: VKGL Data-share Consensus. Not counted in ClinVar's aggregate classification.

NM_001388492.1(HTT):c.54GCA[26] (p.Gln32_Gln38dup)

Genes: HTT (huntingtin; plus strand), LOC109461479 (huntingtin repeat instability region; plus strand), LOC129929027 (ATAC-STARR-seq lymphoblastoid silent region 15199; plus strand). Cytogenetic location: 4p16.3.
Variant type: Microsatellite.
Coding change: c.54GCA[26] on transcript NM_001388492.1 (MANE Select); 26 copies in a row of the 3-base unit GCA starting at c.54.
Protein change: p.Gln32_Gln38dup.
Molecular consequence: inframe insertion.
Genome position: GRCh38 VCF-style: chr4-3074876-C-CCAGCAGCAGCAGCAG. GRCh37 (hg19) VCF-style: chr4-3076603-C-CCAGCAGCAGCAGCAG.
Other names: c.54GCA[26], p.Gln36_Gln40dup (NM_002111.8).
Identifiers: ClinVar variation 1174947 (VCV001174947.7), dbSNP rs71180116, ClinGen allele CA438359733.